The following is an entry in ClinVar:

NM_022051.3(EGLN1):c.205G>C (p.Val69Leu)

Gene: EGLN1 (egl-9 family hypoxia inducible factor 1; minus strand). Cytogenetic location: 1q42.2.
Variant type: single nucleotide variant.
Coding change: c.205G>C on transcript NM_022051.3 (MANE Select); coding-DNA position 205, G replaced by C.
Protein change: p.Val69Leu; replaces valine 69 with leucine.
Molecular consequence: missense variant.
Genome position (GRCh38, 1-based): chr1:231,421,684, C>G on the plus strand (G>C on the coding strand, the complement: EGLN1 is on the minus strand). VCF-style: chr1-231421684-C-G. GRCh37 (hg19) VCF-style: chr1-231557430-C-G.
Other names: c.205G>C (NM_022051.2); c.205G>C, p.Val69Leu (NM_001377260.1, NM_001377261.1); short protein forms V69L.
Identifiers: ClinVar variation 1417703 (VCV001417703.9), dbSNP rs931430574, ClinGen allele CA38948984.

ClinVar aggregate classification (germline): Uncertain significance. Review status: criteria provided, multiple submitters, no conflicts (2 of 4 stars). 2 submissions from 2 submitters: Uncertain significance (2). Last evaluated 2025-08-20.

Conditions:
Erythrocytosis, familial, 3 (ECYT3). Identifiers: Orphanet 247511, MedGen C1853286, MONDO:0012353, OMIM 609820.

Allele frequency attached by ClinVar (database versions not stated): gnomAD exomes 0.00001; gnomAD 0.00003 and 0.00006; TOPMed 0.00008.

Submissions (2):

Ambry Genetics
Classification: Uncertain significance. Last evaluated: 2025-08-20. Review status: criteria provided, single submitter. Criteria: Ambry Variant Classification Scheme 2023. Collection method: clinical testing. Allele origin: germline.

Labcorp Genetics (formerly Invitae), Labcorp
Classification: Uncertain significance for Erythrocytosis, familial, 3. Last evaluated: 2025-07-21. Review status: criteria provided, single submitter. Criteria: Invitae Variant Classification Sherloc (09022015). Collection method: clinical testing. Allele origin: germline.
Comment: This sequence change replaces valine, which is neutral and non-polar, with leucine, which is neutral and non-polar, at codon 69 of the EGLN1 protein (p.Val69Leu). This variant is present in population databases (no rsID available, gnomAD 0.009%). This variant has not been reported in the literature in individuals affected with EGLN1-related conditions. ClinVar contains an entry for this variant (Variation ID: 1417703). An algorithm developed to predict the effect of missense changes on protein structure and function (PolyPhen-2) suggests that this variant is likely to be tolerated. In summary, the available evidence is currently insufficient to determine the role of this variant in disease. Therefore, it has been classified as a Variant of Uncertain Significance.